The following is an entry in ClinVar:

NM_000481.4(AMT):c.41G>A (p.Arg14His)

Genes: AMT (aminomethyltransferase; minus strand), NICN1 (nicolin 1, tubulin polyglutamylase complex subunit; minus strand). Cytogenetic location: 3p21.31.
Variant type: single nucleotide variant.
Coding change: c.41G>A on transcript NM_000481.4 (MANE Select); coding-DNA position 41, G replaced by A.
Protein change: p.Arg14His; replaces arginine 14 with histidine.
Molecular consequence: missense variant. On other transcripts: non-coding transcript variant (1), 3 prime UTR variant (1).
Genome position (GRCh38, 1-based): chr3:49,422,410, C>T on the plus strand (G>A on the coding strand, the complement: AMT is on the minus strand). VCF-style: chr3-49422410-C-T. GRCh37 (hg19) VCF-style: chr3-49459843-C-T.
Other names: c.41G>A, p.Arg14His (NM_001164710.2, NM_001164711.2, NM_001164712.2); c.*2423G>A (NM_032316.3); short protein forms R14H.
Identifiers: ClinVar variation 2151648 (VCV002151648.2), dbSNP rs748551244, ClinGen allele CA2398508.

ClinVar aggregate classification (germline): Uncertain significance. Review status: criteria provided, multiple submitters, no conflicts (2 of 4 stars). 2 submissions from 2 submitters: Uncertain significance (2). Last evaluated 2024-03-19.

Conditions:
Glycine encephalopathy. Also called: Non-ketotic hyperglycinemia; Nonketotic hyperglycinemia. Identifiers: Orphanet 407, MedGen C0751748, MONDO:0011612, HP:0008288.

Allele frequency attached by ClinVar (database versions not stated): ExAC 0.00001.

Submissions (2):

GeneDx
Classification: Uncertain significance. Last evaluated: 2024-03-19. Review status: criteria provided, single submitter. Criteria: GeneDx Variant Classification Process June 2021. Collection method: clinical testing. Allele origin: germline. Affected: yes.
Comment: Not observed at significant frequency in large population cohorts (gnomAD); In silico analysis supports that this missense variant does not alter protein structure/function; Has not been previously published as pathogenic or benign to our knowledge

Labcorp Genetics (formerly Invitae), Labcorp
Classification: Uncertain significance for Glycine encephalopathy. Last evaluated: 2022-02-02. Review status: criteria provided, single submitter. Criteria: Invitae Variant Classification Sherloc (09022015). Collection method: clinical testing. Allele origin: germline.
Comment: This sequence change replaces arginine, which is basic and polar, with histidine, which is basic and polar, at codon 14 of the AMT protein (p.Arg14His). This variant is not present in population databases (gnomAD no frequency). This variant has not been reported in the literature in individuals affected with AMT-related conditions. Advanced modeling of protein sequence and biophysical properties (such as structural, functional, and spatial information, amino acid conservation, physicochemical variation, residue mobility, and thermodynamic stability) performed at Invitae indicates that this missense variant is not expected to disrupt AMT protein function. In summary, the available evidence is currently insufficient to determine the role of this variant in disease. Therefore, it has been classified as a Variant of Uncertain Significance.